The following is an entry in ClinVar:

ClinVar aggregate classification (germline): Uncertain significance (1 of 4 stars; one submission).

Conditions:
SEMA3E-related disorder. Also called: SEMA3E-related condition.

Submission:

PreventionGenetics, part of Exact Sciences
Classification: Uncertain significance for SEMA3E-related condition. Last evaluated: 2025-04-06. Review status: criteria provided, single submitter. Criteria: ACMG Guidelines, 2015. Collection method: clinical testing. Allele origin: germline.
Comment: The SEMA3E c.1626A>G variant is predicted to result in the amino acid substitution p.Ile542Met. To our knowledge, this variant has not been reported in the literature or in a large population database (gnomAD), indicating this variant is rare. At this time, the clinical significance of this variant is uncertain due to the absence of conclusive functional and genetic evidence.

NM_012431.3(SEMA3E):c.1626A>G (p.Ile542Met)

Gene: SEMA3E (semaphorin 3E; minus strand). Cytogenetic location: 7q21.11.
Variant type: single nucleotide variant.
Coding change: c.1626A>G on transcript NM_012431.3 (MANE Select); coding-DNA position 1626, A replaced by G.
Protein change: p.Ile542Met; replaces isoleucine 542 with methionine.
Molecular consequence: missense variant.
Genome position (GRCh38, 1-based): chr7:83,392,596, T>C on the plus strand (A>G on the coding strand, the complement: SEMA3E is on the minus strand). VCF-style: chr7-83392596-T-C. GRCh37 (hg19) VCF-style: chr7-83021912-T-C.
Other names: c.1446A>G, p.Ile482Met (NM_001178129.2); short protein forms I482M, I542M.
Identifiers: ClinVar variation 3350102 (VCV003350102.2).
Genomic context (GRCh38, chr7:83,392,596, plus strand): 5'-ATCAGGTAGCACGTCTCACCTTTTTGCATGTGTGCCTGTTGGGTAATACCGGGAGCAGGA[T>C]ATGCCATCCCAGGCACAGTAAGGGTCTCGAGCCAGGCAGCAGTCAGCACAAGCACTTCCA-3'
Protein context (NP_036563.1, residues 532-552): ARDPYCAWDG[Ile542Met]SCSRYYPTGT